The following is an entry in ClinVar:

ClinVar aggregate classification (germline): Likely benign. Review status: criteria provided, single submitter (1 of 4 stars). 2 submissions from 2 submitters: Likely benign (1). 1 of the submissions does not count toward it. Last evaluated 2025-07-01.

Conditions:
PDXK-related disorder. Also called: PDXK-related condition.

gnomAD v4.1: 199 of 1,613,412 alleles (0.012%); highest among the groups gnomAD compares: African/African-American, 0.22%; 2 homozygotes.

Submissions (2):

CeGaT Center for Human Genetics Tuebingen
Classification: Likely benign. Last evaluated: 2025-07-01. Review status: criteria provided, single submitter. Criteria: CeGaT Center For Human Genetics Tuebingen Variant Classification Criteria Version 2. Collection method: clinical testing. Allele origin: germline. Affected: yes. Observed: 1 variant allele.
Comment: PDXK: BP4

PreventionGenetics, part of Exact Sciences
Classification: Likely benign for PDXK-related condition. Last evaluated: 2024-07-23. Review status: no assertion criteria provided. Collection method: clinical testing. Allele origin: germline. Not counted in ClinVar's aggregate classification.
Comment: This variant is classified as likely benign based on ACMG/AMP sequence variant interpretation guidelines (Richards et al. 2015 PMID: 25741868, with internal and published modifications).

NM_003681.5(PDXK):c.142+8G>A

Gene: PDXK (pyridoxal kinase; plus strand). Cytogenetic location: 21q22.3.
Variant type: single nucleotide variant.
Coding change: c.142+8G>A on transcript NM_003681.5 (MANE Select); 8 bases into the intron after coding-DNA position 142, G replaced by A.
Molecular consequence: intron variant.
Genome position (GRCh38, 1-based): chr21:43,734,131, G>A. VCF-style: chr21-43734131-G-A. GRCh37 (hg19) VCF-style: chr21-45154012-G-A.
Identifiers: ClinVar variation 3352682 (VCV003352682.9).